The following is an entry in ClinVar:

NM_000784.4(CYP27A1):c.307C>T (p.Gln103Ter)

Gene: CYP27A1 (cytochrome P450 family 27 subfamily A member 1; plus strand). Cytogenetic location: 2q35.
Variant type: single nucleotide variant.
Coding change: c.307C>T on transcript NM_000784.4 (MANE Select); coding-DNA position 307, C replaced by T.
Protein change: p.Gln103Ter; replaces glutamine 103 with a stop codon.
Molecular consequence: nonsense.
Genome position (GRCh38, 1-based): chr2:218,809,628, C>T. VCF-style: chr2-218809628-C-T. GRCh37 (hg19) VCF-style: chr2-219674351-C-T.
Other names: short protein forms Q103*.
Identifiers: ClinVar variation 984199 (VCV000984199.3), dbSNP rs1943689944, ClinGen allele CA350583136.

ClinVar aggregate classification (germline): Likely pathogenic (1 of 4 stars; one submission).

Conditions:
Cholestanol storage disease (CTX). Also called: CEREBRAL CHOLESTERINOSIS; Cerebrotendinous Xanthomatosis; CTX: Cerebrotendinous xanthomatosis. Identifiers: Orphanet 909, MedGen C0238052, MONDO:0008948, OMIM 213700.

Submission:

Myriad Genetics, Inc.
Classification: Likely pathogenic for Cholestanol storage disease. Last evaluated: 2019-09-29. Review status: criteria provided, single submitter. Criteria: Myriad Women's Health Autosomal Recessive and X-Linked Classification Criteria (2019). Collection method: clinical testing. Allele origin: unknown.
Comment: NM_000784.3(CYP27A1):c.307C>T(Q103*) is expected to be pathogenic in the context of cerebrotendinous xanthomatosis. This variant is predicted to lead to an abnormal or absent protein product due to the creation of a premature termination codon in CYP27A1, a gene where loss-of-function variants are known to be pathogenic. Please note: this variant was assessed in the context of healthy population screening.